The following is an entry in ClinVar:

NM_001267550.2(TTN):c.107059A>C (p.Lys35687Gln)

Genes: TTN-AS1 (TTN antisense RNA 1; plus strand), TTN (titin; minus strand). Cytogenetic location: 2q31.2.
Variant type: single nucleotide variant.
Coding change: c.107059A>C on transcript NM_001267550.2 (MANE Select); coding-DNA position 107059, A replaced by C.
Protein change: p.Lys35687Gln; replaces lysine 35687 with glutamine.
Molecular consequence: missense variant.
Genome position (GRCh38, 1-based): chr2:178,528,692, T>G on the plus strand (A>C on the coding strand, the complement: TTN is on the minus strand). VCF-style: chr2-178528692-T-G. GRCh37 (hg19) VCF-style: chr2-179393419-T-G.
Other names: c.102136A>C, p.Lys34046Gln (NM_001256850.1); c.79864A>C, p.Lys26622Gln (NM_003319.4); c.99355A>C, p.Lys33119Gln (NM_133378.4); c.80239A>C, p.Lys26747Gln (NM_133432.3); c.80440A>C, p.Lys26814Gln (NM_133437.4); short protein forms K26814Q, K34046Q, K33119Q, K35687Q, K26622Q, K26747Q.
Identifiers: ClinVar variation 1383791 (VCV001383791.6), dbSNP rs2154131240, ClinGen allele CA349402089.

ClinVar aggregate classification (germline): Uncertain significance (1 of 4 stars; one submission).

Conditions:
Dilated cardiomyopathy 1G (CMD1G). Identifiers: Orphanet 154, MedGen C1858763, MONDO:0011400, OMIM 604145.
Autosomal recessive limb-girdle muscular dystrophy type 2J (LGMDR10). Also called: MUSCULAR DYSTROPHY, LIMB-GIRDLE, AUTOSOMAL RECESSIVE 10; Limb-girdle muscular dystrophy, type 2J. Identifiers: Orphanet 140922, MedGen C1837342, MONDO:0012127, OMIM 608807.

Submission:

Labcorp Genetics (formerly Invitae), Labcorp
Classification: Uncertain significance for Dilated cardiomyopathy 1G; Autosomal recessive limb-girdle muscular dystrophy type 2J. Last evaluated: 2023-11-27. Review status: criteria provided, single submitter. Criteria: Invitae Variant Classification Sherloc (09022015). Collection method: clinical testing. Allele origin: germline.
Comment: This sequence change replaces lysine with glutamine at codon 35687 of the TTN protein (p.Lys35687Gln). There is a small physicochemical difference between lysine and glutamine. This variant is not present in population databases (gnomAD no frequency). This variant has not been reported in the literature in individuals affected with TTN-related conditions. ClinVar contains an entry for this variant (Variation ID: 1383791). Experimental studies and prediction algorithms are not available or were not evaluated, and the functional significance of this variant is currently unknown. This variant is located in the M band of TTN (PMID: 25589632). Variants in this region may be relevant for neuromuscular disorders, but have not been definitively shown to cause cardiomyopathy (PMID: 23975875). In summary, the available evidence is currently insufficient to determine the role of this variant in disease. Therefore, it has been classified as a Variant of Uncertain Significance.

Literature cited by the submitters: PubMed 25589632; PubMed 23975875.